The following is an entry in ClinVar:

NM_000548.5(TSC2):c.1947G>A (p.Met649Ile)

Gene: TSC2 (TSC complex subunit 2; plus strand). Cytogenetic location: 16p13.3.
Variant type: single nucleotide variant.
Coding change: c.1947G>A on transcript NM_000548.5 (MANE Select); coding-DNA position 1947, G replaced by A.
Protein change: p.Met649Ile; replaces methionine 649 with isoleucine.
Molecular consequence: missense variant.
Genome position (GRCh38, 1-based): chr16:2,071,784, G>A. VCF-style: chr16-2071784-G-A. GRCh37 (hg19) VCF-style: chr16-2121785-G-A.
Other names: c.1947G>A, p.Met649Ile (NM_001077183.3, NM_001114382.3, NM_001363528.2 and 3 more transcripts); c.1836G>A, p.Met612Ile (NM_001318827.2); c.1800G>A, p.Met600Ile (NM_001318829.2); c.1347G>A, p.Met449Ile (NM_001318831.2); c.1980G>A, p.Met660Ile (NM_001318832.2); short protein forms M649I, M612I, M449I, M600I, M660I.
Identifiers: ClinVar variation 486628 (VCV000486628.20), dbSNP rs775845436, ClinGen allele CA035244.

ClinVar aggregate classification (germline): Conflicting classifications of pathogenicity. Review status: criteria provided, conflicting classifications (1 of 4 stars). 5 submissions from 5 submitters: Uncertain significance (3); Benign (1); Likely benign (1). Last evaluated 2026-04-23.

Conditions:
Hereditary cancer-predisposing syndrome. Also called: Tumor predisposition; Hereditary neoplastic syndrome; Neoplastic Syndromes, Hereditary; Hereditary Cancer Syndrome. Identifiers: Orphanet 140162, MedGen C0027672, MeSH D009386, MONDO:0015356.
Tuberous sclerosis syndrome (TSC). Also called: Tuberous Sclerosis Complex; Tuberous sclerosis. Identifiers: Orphanet 805, MedGen C0041341, MONDO:0001734.
Tuberous sclerosis 2 (TSC2). Identifiers: Orphanet 805, MedGen C1860707, MONDO:0013199, OMIM 613254.

Allele frequency attached by ClinVar (database versions not stated): gnomAD exomes 0.00001; TOPMed below 0.00001; ExAC 0.00001.
gnomAD v4.1: 19 of 1,606,354 alleles (0.0012%); highest among the groups gnomAD compares: Non-Finnish European, 0.0014%; no homozygotes.

Submissions (5):

Ambry Genetics
Classification: Benign for Hereditary cancer-predisposing syndrome. Last evaluated: 2026-04-23. Review status: criteria provided, single submitter. Criteria: Ambry Variant Classification Scheme 2023. Collection method: clinical testing. Allele origin: germline.

Labcorp Genetics (formerly Invitae), Labcorp
Classification: Likely benign for Tuberous sclerosis 2. Last evaluated: 2026-01-14. Review status: criteria provided, single submitter. Criteria: Invitae Variant Classification Sherloc (09022015). Collection method: clinical testing. Allele origin: germline.

All of Us Research Program, National Institutes of Health
Classification: Uncertain significance for Tuberous sclerosis syndrome. Last evaluated: 2024-02-22. Review status: criteria provided, single submitter. Criteria: ACMG Guidelines, 2015. Collection method: clinical testing. Allele origin: germline. Inheritance: Autosomal dominant inheritance. Observed: 2 variant alleles, 2 heterozygotes.
Comment: This missense variant replaces methionine with isoleucine at codon 649 of the TSC2 protein. Computational prediction suggests that this variant may not impact protein structure and function (internally defined REVEL score threshold <= 0.5, PMID: 27666373). To our knowledge, functional studies have not been reported for this variant. This variant has not been reported in individuals affected with TSC2-related disorders in the literature. This variant has been identified in 3/234348 chromosomes in the general population by the Genome Aggregation Database (gnomAD). The available evidence is insufficient to determine the role of this variant in disease conclusively. Therefore, this variant is classified as a Variant of Uncertain Significance.

This study involves interpretation of variants in research participants for the purpose of population health screening. Participant phenotype was not available at the time of variant classification. Additional details can be found in publication PMID: 35346344, PMCID: PMC8962531

Color Diagnostics, LLC DBA Color Health
Classification: Uncertain significance for Tuberous sclerosis syndrome. Last evaluated: 2024-01-31. Review status: criteria provided, single submitter. Criteria: ACMG Guidelines, 2015. Collection method: clinical testing. Allele origin: germline.
Comment: This missense variant replaces methionine with isoleucine at codon 649 of the TSC2 protein. Computational prediction suggests that this variant may not impact protein structure and function. To our knowledge, functional studies have not been reported for this variant. This variant has not been reported in individuals affected with TSC2-related disorders in the literature. This variant has been identified in 3/234348 chromosomes in the general population by the Genome Aggregation Database (gnomAD). The available evidence is insufficient to determine the role of this variant in disease conclusively. Therefore, this variant is classified as a Variant of Uncertain Significance.

Genome-Nilou Lab
Classification: Uncertain significance for Tuberous sclerosis 2. Last evaluated: 2021-11-07. Review status: criteria provided, single submitter. Criteria: ACMG Guidelines, 2015. Collection method: clinical testing. Allele origin: germline. Affected: no.